The following is an entry in ClinVar:

ClinVar aggregate classification (germline): Likely benign. Review status: criteria provided, multiple submitters, no conflicts (2 of 4 stars). 2 submissions from 2 submitters: Likely benign (2). Last evaluated 2026-07-01.

Allele frequency attached by ClinVar (database versions not stated): gnomAD exomes 0.00001 and 0.00002; TOPMed 0.00001; ExAC 0.00002; gnomAD 0.00003 and 0.00004.
gnomAD v4.1: 25 of 1,613,880 alleles (0.0015%); highest among the groups gnomAD compares: South Asian, 0.0077%; no homozygotes.

Submissions (2):

CeGaT Center for Human Genetics Tuebingen
Classification: Likely benign. Last evaluated: 2026-07-01. Review status: criteria provided, single submitter. Criteria: CeGaT Center For Human Genetics Tuebingen Variant Classification Criteria Version 2. Collection method: clinical testing. Allele origin: germline. Affected: yes. Observed: 1 variant allele.
Comment: SPTBN2: BP4, BP7

Labcorp Genetics (formerly Invitae), Labcorp
Classification: Likely benign. Last evaluated: 2018-02-09. Review status: criteria provided, single submitter. Criteria: Invitae Variant Classification Sherloc (09022015). Collection method: clinical testing. Allele origin: germline.

NM_006946.4(SPTBN2):c.261C>T (p.Asp87=)

Gene: SPTBN2 (spectrin beta, non-erythrocytic 2; minus strand). Cytogenetic location: 11q13.2.
Variant type: single nucleotide variant.
Coding change: c.261C>T on transcript NM_006946.4 (MANE Select); coding-DNA position 261, C replaced by T.
Protein change: p.Asp87=; no amino-acid change (aspartic acid 87 retained).
Molecular consequence: synonymous variant.
Genome position (GRCh38, 1-based): chr11:66,715,878, G>A on the plus strand (C>T on the coding strand, the complement: SPTBN2 is on the minus strand). VCF-style: chr11-66715878-G-A. GRCh37 (hg19) VCF-style: chr11-66483349-G-A.
Identifiers: ClinVar variation 781222 (VCV000781222.4), dbSNP rs748129999, ClinGen allele CA6129723.